The following is an entry in ClinVar:

ClinVar aggregate classification (germline): Uncertain significance (1 of 4 stars; one submission).

Conditions:
Early-infantile DEE. Also called: Early infantile epileptic encephalopathy with suppression bursts; Early infantile epileptic encephalopathy; Ohtahara syndrome. Identifiers: Orphanet 1934, MedGen C0393706, MONDO:0800491.

gnomAD v4.1: 2 of 1,610,182 alleles (0.00012%); highest among the groups gnomAD compares: Admixed American, 0.0017%; no homozygotes.

Submission:

Labcorp Genetics (formerly Invitae), Labcorp
Classification: Uncertain significance for Early-infantile DEE. Last evaluated: 2024-05-21. Review status: criteria provided, single submitter. Criteria: Invitae Variant Classification Sherloc (09022015). Collection method: clinical testing. Allele origin: germline.
Comment: This sequence change replaces serine, which is neutral and polar, with arginine, which is basic and polar, at codon 434 of the KCNQ2 protein (p.Ser434Arg). This variant is present in population databases (no rsID available, gnomAD 0.003%). This variant has not been reported in the literature in individuals affected with KCNQ2-related conditions. An algorithm developed to predict the effect of missense changes on protein structure and function (PolyPhen-2) suggests that this variant is likely to be tolerated. Algorithms developed to predict the effect of sequence changes on RNA splicing suggest that this variant may disrupt the consensus splice site. In summary, the available evidence is currently insufficient to determine the role of this variant in disease. Therefore, it has been classified as a Variant of Uncertain Significance.

NM_172107.4(KCNQ2):c.1300A>C (p.Ser434Arg)

Gene: KCNQ2 (potassium voltage-gated channel subfamily Q member 2; minus strand). Cytogenetic location: 20q13.33.
Variant type: single nucleotide variant.
Coding change: c.1300A>C on transcript NM_172107.4 (MANE Select); coding-DNA position 1300, A replaced by C.
Protein change: p.Ser434Arg; replaces serine 434 with arginine.
Molecular consequence: missense variant. On other transcripts: intron variant (4).
Genome position (GRCh38, 1-based): chr20:63,419,620, T>G on the plus strand (A>C on the coding strand, the complement: KCNQ2 is on the minus strand). VCF-style: chr20-63419620-T-G. GRCh37 (hg19) VCF-style: chr20-62050973-T-G.
Other names: c.1218-4494A>C (NM_004518.6); c.1248-4530A>C (NM_172108.5); c.1248-4494A>C (NM_172106.3, NM_001382235.1); short protein forms S434R.
Identifiers: ClinVar variation 3624357 (VCV003624357.2).